The following is an entry in ClinVar:

NM_005633.4(SOS1):c.*1516G>A

Gene: SOS1 (SOS Ras/Rac guanine nucleotide exchange factor 1; minus strand). Cytogenetic location: 2p22.1.
Variant type: single nucleotide variant.
Coding change: c.*1516G>A on transcript NM_005633.4 (MANE Select); 1516 bases downstream of the stop codon, G replaced by A.
Molecular consequence: 3 prime UTR variant.
Genome position (GRCh38, 1-based): chr2:38,984,308, C>T on the plus strand (G>A on the coding strand, the complement: SOS1 is on the minus strand). VCF-style: chr2-38984308-C-T. GRCh37 (hg19) VCF-style: chr2-39211449-C-T.
Other names: c.*1516G>A (NM_001382394.1, NM_001382395.1).
Identifiers: ClinVar variation 335994 (VCV000335994.5), dbSNP rs550823381, ClinGen allele CA10613802.

ClinVar aggregate classification (germline): Benign/Likely benign. Review status: criteria provided, single submitter (1 of 4 stars). 2 submissions from 1 submitter: Benign (1); Likely benign (1). Last evaluated 2018-01-13.

Conditions:
Noonan syndrome 4 (NS4). Also called: SOS1-Related Noonan Syndrome; NOONAN SYNDROME WITH PIGMENTED VILLONODULAR SYNOVITIS. Identifiers: Orphanet 648, MedGen C1853120, MONDO:0012547, OMIM 610733.
Fibromatosis, gingival, 1 (GINGF1). Identifiers: Orphanet 2024, MedGen C4551558, MONDO:0007609, OMIM 135300.

Allele frequency attached by ClinVar (database versions not stated): TOPMed 0.00005; gnomAD 0.00006 and 0.00019; 1000 Genomes Project 0.00040; 1000 Genomes Project 30x 0.00062.

Submissions (2):

Illumina Laboratory Services, Illumina
Classification: Likely benign for Noonan syndrome 4. Last evaluated: 2018-01-13. Review status: criteria provided, single submitter. Criteria: ICSL Variant Classification Criteria 13 December 2019. Collection method: clinical testing. Allele origin: germline.
Comment: This variant was observed in the ICSL laboratory as part of a predisposition screen in an ostensibly healthy population. It had not been previously curated by ICSL or reported in the Human Gene Mutation Database (HGMD: prior to June 1st, 2018), and was therefore a candidate for classification through an automated scoring system. Utilizing variant allele frequency, disease prevalence and penetrance estimates, and inheritance mode, an automated score was calculated to assess if this variant is too frequent to cause the disease. Based on the score and internal cut-off values, a variant classified as likely benign is not then subjected to further curation. The score for this variant resulted in a classification of likely benign for this disease.

Illumina Laboratory Services, Illumina
Classification: Benign for Fibromatosis, gingival, 1. Last evaluated: 2018-01-13. Review status: criteria provided, single submitter. Criteria: ICSL Variant Classification Criteria 13 December 2019. Collection method: clinical testing. Allele origin: germline.
Comment: This variant was observed in the ICSL laboratory as part of a predisposition screen in an ostensibly healthy population. It had not been previously curated by ICSL or reported in the Human Gene Mutation Database (HGMD: prior to June 1st, 2018), and was therefore a candidate for classification through an automated scoring system. Utilizing variant allele frequency, disease prevalence and penetrance estimates, and inheritance mode, an automated score was calculated to assess if this variant is too frequent to cause the disease. Based on the score and internal cut-off values, a variant classified as benign is not then subjected to further curation. The score for this variant resulted in a classification of benign for this disease.